The following is an entry in ClinVar:

ClinVar aggregate classification (germline): Pathogenic. Review status: criteria provided, multiple submitters, no conflicts (2 of 4 stars). 2 submissions from 2 submitters: Pathogenic (2). Last evaluated 2025-01-30.

Conditions:
Alport syndrome. Also called: Hemorrhagic familial nephritis; Hemorrhagic hereditary nephritis; Congenital hereditary hematuria. Identifiers: Orphanet 63, MedGen C1567741, MONDO:0018965.

Submissions (2):

Myriad Genetics, Inc.
Classification: Pathogenic for Alport syndrome. Last evaluated: 2025-01-30. Review status: criteria provided, single submitter. Criteria: Myriad Autosomal Dominant, Autosomal Recessive and X-Linked Classification Criteria (2023). Collection method: clinical testing. Allele origin: unknown.
Comment: NM_000091.4(COL4A3):c.1886delC(T629Sfs*118) is expected to be pathogenic in the context of Alport syndrome, COL4A3-related. This variant is predicted to lead to an abnormal or absent protein product due to the creation of a premature termination codon in COL4A3, a gene where loss-of-function variants are known to be pathogenic. Please note: this variant was assessed in the context of healthy population screening.

Labcorp Genetics (formerly Invitae), Labcorp
Classification: Pathogenic. Last evaluated: 2022-12-20. Review status: criteria provided, single submitter. Criteria: Invitae Variant Classification Sherloc (09022015). Collection method: clinical testing. Allele origin: germline.
Comment: For these reasons, this variant has been classified as Pathogenic. This variant has not been reported in the literature in individuals affected with COL4A3-related conditions. This variant is not present in population databases (gnomAD no frequency). This sequence change creates a premature translational stop signal (p.Thr629Serfs*118) in the COL4A3 gene. It is expected to result in an absent or disrupted protein product. Loss-of-function variants in COL4A3 are known to be pathogenic (PMID: 8956999, 24854265, 26809805, 27281700).

Literature cited by the submitters: PubMed 8956999 (cited by Labcorp Genetics (formerly Invitae), Labcorp); PubMed 24854265 (cited by Labcorp Genetics (formerly Invitae), Labcorp); PubMed 26809805 (cited by Labcorp Genetics (formerly Invitae), Labcorp); PubMed 27281700 (cited by Labcorp Genetics (formerly Invitae), Labcorp).

NM_000091.5(COL4A3):c.1886del (p.Thr629fs)

Genes: COL4A3 (collagen type IV alpha 3 chain; plus strand), MFF-DT (MFF divergent transcript; minus strand). Cytogenetic location: 2q36.3.
Variant type: Deletion.
Coding change: c.1886del on transcript NM_000091.5 (MANE Select); coding-DNA position 1886, one base deleted (C; older notation c.1886delC).
Protein change: p.Thr629fs; shifts the reading frame from threonine 629.
Molecular consequence: frameshift variant.
Genome position (GRCh38, 1-based): chr2:227,273,076, C deleted. VCF-style (leftmost placement, unchanged base first): chr2-227273075-AC-A. GRCh37 (hg19) VCF-style: chr2-228137791-AC-A.
Other names: short protein forms T629fs.
Identifiers: ClinVar variation 2822466 (VCV002822466.4), dbSNP rs2469701095, ClinGen allele CA2739278072.
Genomic context (GRCh38, chr2:227,273,075, plus strand): 5'-CCTGCAGGACCAGCTGGACCACCTGGCTACGGACCCCAAGGAGAACCTGGTCTCCAGGGC[AC>A]GCAAGGAGTTCCTGGAGCCCCCGGACCACCCGGAGAAGCCGGTTGGTTAGTTTTCTTTCC-3'